The following is an entry in ClinVar:

NM_000127.3(EXT1):c.44C>G (p.Ser15Cys)

Gene: EXT1 (exostosin glycosyltransferase 1; minus strand). Cytogenetic location: 8q24.11.
Variant type: single nucleotide variant.
Coding change: c.44C>G on transcript NM_000127.3 (MANE Select); coding-DNA position 44, C replaced by G.
Protein change: p.Ser15Cys; replaces serine 15 with cysteine.
Molecular consequence: missense variant.
Genome position (GRCh38, 1-based): chr8:118,111,003, G>C on the plus strand (C>G on the coding strand, the complement: EXT1 is on the minus strand). VCF-style: chr8-118111003-G-C. GRCh37 (hg19) VCF-style: chr8-119123242-G-C.
Other names: short protein forms S15C.
Identifiers: ClinVar variation 2194984 (VCV002194984.7), dbSNP rs915340058, ClinGen allele CA184682595.

ClinVar aggregate classification (germline): Uncertain significance. Review status: criteria provided, multiple submitters, no conflicts (2 of 4 stars). 2 submissions from 2 submitters: Uncertain significance (2). Last evaluated 2025-11-09.

Conditions:
Multiple congenital exostosis (EXT). Also called: Multiple osteochondromas; Hereditary multiple osteochondromas; Hereditary multiple exostoses; Hereditary multiple exostosis; MULTIPLE CARTILAGINOUS EXOSTOSES; Multiple exostoses. Identifiers: Orphanet 321, MedGen C0015306, MONDO:0005508, HP:0002762.

Allele frequency attached by ClinVar (database versions not stated): gnomAD 0.00002; gnomAD exomes 0.00002; TOPMed 0.00002.
gnomAD v4.1: 14 of 1,605,444 alleles (0.00087%); highest among the groups gnomAD compares: Middle Eastern, 0.16%; no homozygotes.

Submissions (2):

Labcorp Genetics (formerly Invitae), Labcorp
Classification: Uncertain significance for Multiple congenital exostosis. Last evaluated: 2025-11-09. Review status: criteria provided, single submitter. Criteria: Invitae Variant Classification Sherloc (09022015). Collection method: clinical testing. Allele origin: germline.
Comment: This sequence change replaces serine, which is neutral and polar, with cysteine, which is neutral and slightly polar, at codon 15 of the EXT1 protein (p.Ser15Cys). This variant is present in population databases (no rsID available, gnomAD no frequency). This variant has not been reported in the literature in individuals affected with EXT1-related conditions. ClinVar contains an entry for this variant (Variation ID: 2194984). Invitae Evidence Modeling of protein sequence and biophysical properties (such as structural, functional, and spatial information, amino acid conservation, physicochemical variation, residue mobility, and thermodynamic stability) indicates that this missense variant is not expected to disrupt EXT1 protein function with a negative predictive value of 95%. In summary, the available evidence is currently insufficient to determine the role of this variant in disease. Therefore, it has been classified as a Variant of Uncertain Significance.

Revvity Omics, Revvity
Classification: Uncertain significance. Last evaluated: 2019-11-18. Review status: criteria provided, single submitter. Criteria: ACMG Guidelines, 2015. Collection method: clinical testing. Allele origin: germline.